The following is an entry in ClinVar:

ClinVar aggregate classification (germline): Uncertain significance (1 of 4 stars; one submission).

Conditions:
Charcot-Marie-Tooth disease type 4. Also called: Charcot-Marie-Tooth disease, type IV; Charcot-Marie-Tooth, Type 4. Identifiers: Orphanet 64749, MedGen C4082197, MONDO:0018995.

Allele frequency attached by ClinVar (database versions not stated): TOPMed below 0.00001; gnomAD 0.00001; ExAC 0.00002; ESP Exome Variant Server 0.00008.
gnomAD v4.1: 1 of 1,614,006 alleles (0.000062%); highest among the groups gnomAD compares: African/African-American, 0.0013%; no homozygotes.

Submission:

Labcorp Genetics (formerly Invitae), Labcorp
Classification: Uncertain significance for Charcot-Marie-Tooth disease type 4. Last evaluated: 2022-04-28. Review status: criteria provided, single submitter. Criteria: Invitae Variant Classification Sherloc (09022015). Collection method: clinical testing. Allele origin: germline.
Comment: This sequence change replaces alanine, which is neutral and non-polar, with threonine, which is neutral and polar, at codon 600 of the SH3TC2 protein (p.Ala600Thr). This variant is not present in population databases (gnomAD no frequency). This variant has not been reported in the literature in individuals affected with SH3TC2-related conditions. Advanced modeling of protein sequence and biophysical properties (such as structural, functional, and spatial information, amino acid conservation, physicochemical variation, residue mobility, and thermodynamic stability) performed at Invitae indicates that this missense variant is not expected to disrupt SH3TC2 protein function. In summary, the available evidence is currently insufficient to determine the role of this variant in disease. Therefore, it has been classified as a Variant of Uncertain Significance.

NM_024577.4(SH3TC2):c.1798G>A (p.Ala600Thr)

Gene: SH3TC2 (SH3 domain and tetratricopeptide repeats 2; minus strand). Cytogenetic location: 5q32.
Variant type: single nucleotide variant.
Coding change: c.1798G>A on transcript NM_024577.4 (MANE Select); coding-DNA position 1798, G replaced by A.
Protein change: p.Ala600Thr; replaces alanine 600 with threonine.
Molecular consequence: missense variant.
Genome position (GRCh38, 1-based): chr5:149,027,934, C>T on the plus strand (G>A on the coding strand, the complement: SH3TC2 is on the minus strand). VCF-style: chr5-149027934-C-T. GRCh37 (hg19) VCF-style: chr5-148407497-C-T.
Other names: short protein forms A600T.
Identifiers: ClinVar variation 2196109 (VCV002196109.2), dbSNP rs138436082, ClinGen allele CA3499122.